The following is an entry in ClinVar:

ClinVar aggregate classification (germline): Uncertain significance (1 of 4 stars; one submission).

Allele frequency attached by ClinVar (database versions not stated): gnomAD exomes below 0.00001.
gnomAD v4.1: 3 of 1,609,016 alleles (0.00019%); highest among the groups gnomAD compares: Non-Finnish European, 0.00025%; no homozygotes.

Submission:

Labcorp Genetics (formerly Invitae), Labcorp
Classification: Uncertain significance. Last evaluated: 2022-10-23. Review status: criteria provided, single submitter. Criteria: Invitae Variant Classification Sherloc (09022015). Collection method: clinical testing. Allele origin: germline.
Comment: This sequence change falls in intron 18 of the NAA35 gene. It does not directly change the encoded amino acid sequence of the NAA35 protein. It affects a nucleotide within the consensus splice site. The frequency data for this variant in the population databases is considered unreliable, as metrics indicate poor data quality at this position in the gnomAD database. This variant has not been reported in the literature in individuals affected with NAA35-related conditions. Variants that disrupt the consensus splice site are a relatively common cause of aberrant splicing (PMID: 17576681, 9536098). Algorithms developed to predict the effect of sequence changes on RNA splicing suggest that this variant is not likely to affect RNA splicing. In summary, the available evidence is currently insufficient to determine the role of this variant in disease. Therefore, it has been classified as a Variant of Uncertain Significance.

Literature cited by the submitters: PubMed 17576681; PubMed 9536098.

NM_024635.4(NAA35):c.1705+4C>T

Gene: NAA35 (N-alpha-acetyltransferase 35, NatC auxiliary subunit; plus strand). Cytogenetic location: 9q21.33.
Variant type: single nucleotide variant.
Coding change: c.1705+4C>T on transcript NM_024635.4 (MANE Select); 4 bases into the intron after coding-DNA position 1705, C replaced by T.
Molecular consequence: intron variant.
Genome position (GRCh38, 1-based): chr9:86,016,679, C>T. VCF-style: chr9-86016679-C-T. GRCh37 (hg19) VCF-style: chr9-88631594-C-T.
Other names: c.1705+4C>T (NM_001321881.2, NM_001321882.2).
Identifiers: ClinVar variation 2040065 (VCV002040065.4), dbSNP rs1256830642, ClinGen allele CA588715325.